The following is an entry in ClinVar:

NM_001008537.3(NEXMIF):c.2363T>C (p.Leu788Pro)

Gene: NEXMIF (neurite extension and migration factor; minus strand). Cytogenetic location: Xq13.3.
Variant type: single nucleotide variant.
Coding change: c.2363T>C on transcript NM_001008537.3 (MANE Select); coding-DNA position 2363, T replaced by C.
Protein change: p.Leu788Pro; replaces leucine 788 with proline.
Molecular consequence: missense variant.
Genome position (GRCh38, 1-based): chrX:74,742,194, A>G on the plus strand (T>C on the coding strand, the complement: NEXMIF is on the minus strand). VCF-style: chrX-74742194-A-G. GRCh37 (hg19) VCF-style: chrX-73962029-A-G.
Other names: c.2363T>C (NM_001008537.1); short protein forms L788P.
Identifiers: ClinVar variation 579471 (VCV000579471.13), dbSNP rs894871556, ClinGen allele CA331301754.

ClinVar aggregate classification (germline): Uncertain significance. Review status: criteria provided, multiple submitters, no conflicts (2 of 4 stars). 3 submissions from 3 submitters: Uncertain significance (3). Last evaluated 2026-10-14.

Conditions:
X-linked intellectual disability, Cantagrel type (XLID98). Also called: INTELLECTUAL DEVELOPMENTAL DISORDER, X-LINKED 98. Identifiers: Orphanet 85277, MedGen C3806730, MONDO:0010483, OMIM 300912.

Allele frequency attached by ClinVar (database versions not stated): gnomAD exomes below 0.00001; gnomAD 0.00001.
gnomAD v4.1: 3 of 1,209,933 alleles (0.00025%); highest among the groups gnomAD compares: Admixed American, 0.0022%; no homozygotes.

Submissions (3):

GeneDx
Classification: Uncertain significance. Last evaluated: 2026-10-14. Review status: criteria provided, single submitter. Criteria: GeneDx Variant Classification Process June 2021. Collection method: clinical testing. Allele origin: germline.
Comment: In silico analysis suggests that this missense variant does not alter protein structure/function; Has not been previously published as pathogenic or benign to our knowledge

New York Genome Center
Classification: Uncertain significance for X-linked intellectual disability, Cantagrel type. Last evaluated: 2021-09-10. Review status: criteria provided, single submitter. Criteria: NYGC Assertion Criteria 2020. Collection method: clinical testing. Allele origin: germline. Observed: 1 heterozygote. Study: CSER-NYCKidSeq.
Comment: The c.2363T>C, p.Leu788Pro missense variant identified in NEXMIF has not been reported in the literature. This variant has one heterozygous allele in the gnomAD v3.1.1 database suggesting it is not a common benign variant in the populations represented in this database. In silico tools predict a conflicting effect of pathogenicity. Based on the available evidence, the missense variant c.2363T>C, p.Leu788Pro in the NEXMIF gene is classified as a Variant of Uncertain Significance.

Labcorp Genetics (formerly Invitae), Labcorp
Classification: Uncertain significance. Last evaluated: 2019-06-19. Review status: criteria provided, single submitter. Criteria: Invitae Variant Classification Sherloc (09022015). Collection method: clinical testing. Allele origin: germline.
Comment: This sequence change replaces leucine with proline at codon 788 of the KIAA2022 protein (p.Leu788Pro). The leucine residue is highly conserved and there is a moderate physicochemical difference between leucine and proline. This variant is not present in population databases (ExAC no frequency). This variant has not been reported in the literature in individuals with NEXMIF-related disease. Algorithms developed to predict the effect of missense changes on protein structure and function (SIFT, PolyPhen-2, Align-GVGD) all suggest that this variant is likely to be disruptive, but these predictions have not been confirmed by published functional studies and their clinical significance is uncertain. In summary, the available evidence is currently insufficient to determine the role of this variant in disease. Therefore, it has been classified as a Variant of Uncertain Significance.